The following is an entry in ClinVar:

NM_001020658.2(PUM1):c.3120+8A>T

Gene: PUM1 (pumilio RNA binding family member 1; minus strand). Cytogenetic location: 1p35.2.
Variant type: single nucleotide variant.
Coding change: c.3120+8A>T on transcript NM_001020658.2 (MANE Select); 8 bases into the intron after coding-DNA position 3120, A replaced by T.
Molecular consequence: intron variant.
Genome position (GRCh38, 1-based): chr1:30,941,990, T>A on the plus strand (A>T on the coding strand, the complement: PUM1 is on the minus strand). VCF-style: chr1-30941990-T-A. GRCh37 (hg19) VCF-style: chr1-31414837-T-A.
Other names: c.3114+8A>T (NM_014676.3).
Identifiers: ClinVar variation 3053274 (VCV003053274.17), dbSNP rs190258462, ClinGen allele CA728805.

ClinVar aggregate classification (germline): Likely benign. Review status: criteria provided, multiple submitters, no conflicts (2 of 4 stars). 3 submissions from 3 submitters: Likely benign (2). 1 of the submissions does not count toward it. Last evaluated 2025-11-01.

Conditions:
PUM1-related disorder. Also called: PUM1-related condition; PUM1-related disorders.

Allele frequency attached by ClinVar (database versions not stated): gnomAD exomes 0.00034; ExAC 0.00095; 1000 Genomes Project 30x 0.00281; 1000 Genomes Project 0.00300; gnomAD 0.00317; ESP Exome Variant Server 0.00377.
gnomAD v4.1: 980 of 1,561,986 alleles (0.063%); highest among the groups gnomAD compares: African/African-American, 1.1%; 2 homozygotes.

Submissions (3):

CeGaT Center for Human Genetics Tuebingen
Classification: Likely benign. Last evaluated: 2025-11-01. Review status: criteria provided, single submitter. Criteria: CeGaT Center For Human Genetics Tuebingen Variant Classification Criteria Version 2. Collection method: clinical testing. Allele origin: germline. Affected: yes. Observed: 3 variant alleles.
Comment: PUM1: BP4, BS1

Blueprint Genetics
Classification: Likely benign. Last evaluated: 2024-11-01. Review status: criteria provided, single submitter. Criteria: ACMG Guidelines, 2015. Collection method: clinical testing. Allele origin: germline.

PreventionGenetics, part of Exact Sciences
Classification: Benign for PUM1-related condition. Last evaluated: 2019-03-04. Review status: no assertion criteria provided. Collection method: clinical testing. Allele origin: germline. Not counted in ClinVar's aggregate classification.
Comment: This variant is classified as benign based on ACMG/AMP sequence variant interpretation guidelines (Richards et al. 2015 PMID: 25741868, with internal and published modifications).